The following is an entry in ClinVar:

NM_015178.3(RHOBTB2):c.1929C>T (p.Cys643=)

Gene: RHOBTB2 (Rho related BTB domain containing 2; plus strand). Cytogenetic location: 8p21.3.
Variant type: single nucleotide variant.
Coding change: c.1929C>T on transcript NM_015178.3 (MANE Select); coding-DNA position 1929, C replaced by T.
Protein change: p.Cys643=; no amino-acid change (cysteine 643 retained).
Molecular consequence: synonymous variant.
Genome position (GRCh38, 1-based): chr8:23,015,706, C>T. VCF-style: chr8-23015706-C-T. GRCh37 (hg19) VCF-style: chr8-22873219-C-T.
Other names: c.1995C>T, p.Cys665= (NM_001160036.2); c.1950C>T, p.Cys650= (NM_001160037.2); c.1929C>T, p.Cys643= (NM_001374791.1).
Identifiers: ClinVar variation 4873446 (VCV004873446.2).

ClinVar aggregate classification (germline): Likely benign (1 of 4 stars; one submission).

Submission:

CeGaT Center for Human Genetics Tuebingen
Classification: Likely benign. Last evaluated: 2026-05-01. Review status: criteria provided, single submitter. Criteria: CeGaT Center For Human Genetics Tuebingen Variant Classification Criteria Version 2. Collection method: clinical testing. Allele origin: germline. Affected: yes. Observed: 1 variant allele.
Comment: RHOBTB2: PM2:Supporting, BP4, BP7